The following is an entry in ClinVar:

ClinVar aggregate classification (germline): Uncertain significance (1 of 4 stars; one submission).

Allele frequency attached by ClinVar (database versions not stated): gnomAD exomes 0.00003; ExAC 0.00001; gnomAD 0.00004; TOPMed 0.00005.
gnomAD v4.1: 51 of 1,590,398 alleles (0.0032%); highest among the groups gnomAD compares: Non-Finnish European, 0.0019%; no homozygotes.

Submission:

Labcorp Genetics (formerly Invitae), Labcorp
Classification: Uncertain significance. Last evaluated: 2025-03-04. Review status: criteria provided, single submitter. Criteria: Invitae Variant Classification Sherloc (09022015). Collection method: clinical testing. Allele origin: germline.
Comment: This sequence change replaces threonine, which is neutral and polar, with alanine, which is neutral and non-polar, at codon 62 of the GMNN protein (p.Thr62Ala). This variant is present in population databases (rs752671362, gnomAD 0.06%). This variant has not been reported in the literature in individuals affected with GMNN-related conditions. ClinVar contains an entry for this variant (Variation ID: 2723807). An algorithm developed to predict the effect of missense changes on protein structure and function outputs the following: PolyPhen-2: "Benign". The alanine amino acid residue is found in multiple mammalian species, which suggests that this missense change does not adversely affect protein function. In summary, the available evidence is currently insufficient to determine the role of this variant in disease. Therefore, it has been classified as a Variant of Uncertain Significance.

NM_015895.5(GMNN):c.184A>G (p.Thr62Ala)

Gene: GMNN (geminin DNA replication inhibitor; plus strand). Cytogenetic location: 6p22.3.
Variant type: single nucleotide variant.
Coding change: c.184A>G on transcript NM_015895.5 (MANE Select); coding-DNA position 184, A replaced by G.
Protein change: p.Thr62Ala; replaces threonine 62 with alanine.
Molecular consequence: missense variant.
Genome position (GRCh38, 1-based): chr6:24,781,531, A>G. VCF-style: chr6-24781531-A-G. GRCh37 (hg19) VCF-style: chr6-24781759-A-G.
Other names: c.184A>G, p.Thr62Ala (NM_001251989.2, NM_001251990.2, NM_001251991.1); short protein forms T62A.
Identifiers: ClinVar variation 2723807 (VCV002723807.3), dbSNP rs752671362, ClinGen allele CA3658849.